The following is an entry in ClinVar:

ClinVar aggregate classification (germline): Uncertain significance (1 of 4 stars; one submission).

Conditions:
Multiple congenital anomalies-hypotonia-seizures syndrome 1 (MCAHS1). Also called: PIGN-CDG; Congenital disorder of glycosylation due to PIGN deficiency; GLYCOSYLPHOSPHATIDYLINOSITOL BIOSYNTHESIS DEFECT 3. Identifiers: Orphanet 280633, MedGen C3279775, MONDO:0013563, OMIM 614080.

Allele frequency attached by ClinVar (database versions not stated): gnomAD exomes below 0.00001; TOPMed below 0.00001; ExAC 0.00003.
gnomAD v4.1: 5 of 1,556,196 alleles (0.00032%); highest among the groups gnomAD compares: South Asian, 0.0012%; no homozygotes.

Submission:

Labcorp Genetics (formerly Invitae), Labcorp
Classification: Uncertain significance for Multiple congenital anomalies-hypotonia-seizures syndrome 1. Last evaluated: 2024-01-19. Review status: criteria provided, single submitter. Criteria: Invitae Variant Classification Sherloc (09022015). Collection method: clinical testing. Allele origin: germline.
Comment: This sequence change replaces glutamic acid, which is acidic and polar, with lysine, which is basic and polar, at codon 648 of the PIGN protein (p.Glu648Lys). The frequency data for this variant in the population databases is considered unreliable, as metrics indicate poor data quality at this position in the gnomAD database. This variant has not been reported in the literature in individuals affected with PIGN-related conditions. ClinVar contains an entry for this variant (Variation ID: 941308). Advanced modeling of protein sequence and biophysical properties (such as structural, functional, and spatial information, amino acid conservation, physicochemical variation, residue mobility, and thermodynamic stability) performed at Invitae indicates that this missense variant is not expected to disrupt PIGN protein function with a negative predictive value of 80%. Algorithms developed to predict the effect of sequence changes on RNA splicing suggest that this variant may disrupt the consensus splice site. In summary, the available evidence is currently insufficient to determine the role of this variant in disease. Therefore, it has been classified as a Variant of Uncertain Significance.

NM_176787.5(PIGN):c.1942G>A (p.Glu648Lys)

Gene: PIGN (phosphatidylinositol glycan anchor biosynthesis class N; minus strand). Cytogenetic location: 18q21.33.
Variant type: single nucleotide variant.
Coding change: c.1942G>A on transcript NM_176787.5 (MANE Select); coding-DNA position 1942, G replaced by A.
Protein change: p.Glu648Lys; replaces glutamic acid 648 with lysine.
Molecular consequence: missense variant.
Genome position (GRCh38, 1-based): chr18:62,102,820, C>T on the plus strand (G>A on the coding strand, the complement: PIGN is on the minus strand). VCF-style: chr18-62102820-C-T. GRCh37 (hg19) VCF-style: chr18-59770053-C-T.
Other names: c.1942G>A, p.Glu648Lys (NM_012327.6); short protein forms E648K.
Identifiers: ClinVar variation 941308 (VCV000941308.7), dbSNP rs772214052, ClinGen allele CA8982139.